The following is an entry in ClinVar:

NM_001039591.3(USP9X):c.1700T>C (p.Ile567Thr)

Gene: USP9X (ubiquitin specific peptidase 9 X-linked; plus strand). Cytogenetic location: Xp11.4.
Variant type: single nucleotide variant.
Coding change: c.1700T>C on transcript NM_001039591.3 (MANE Select); coding-DNA position 1700, T replaced by C.
Protein change: p.Ile567Thr; replaces isoleucine 567 with threonine.
Molecular consequence: missense variant.
Genome position (GRCh38, 1-based): chrX:41,150,994, T>C. VCF-style: chrX-41150994-T-C. GRCh37 (hg19) VCF-style: chrX-41010247-T-C.
Other names: c.1700T>C, p.Ile567Thr (NM_001039590.3); short protein forms I567T.
Identifiers: ClinVar variation 1028481 (VCV001028481.1), dbSNP rs2062519632, ClinGen allele CA412774646.

ClinVar aggregate classification (germline): Uncertain significance (1 of 4 stars; one submission).

Conditions:
Intellectual developmental disorder, X-linked 99. Also called: Intellectual disability, X-linked 99. Identifiers: Orphanet 777, MedGen C3806746, MONDO:0010487, OMIM 300919.

Submission:

Baylor Genetics
Classification: Uncertain significance for Intellectual developmental disorder, X-linked 99. Last evaluated: 2019-12-13. Review status: criteria provided, single submitter. Criteria: ACMG Guidelines, 2015. Collection method: clinical testing. Allele origin: unknown. Affected: yes.
Comment: This variant was determined to be of uncertain significance according to ACMG Guidelines, 2015 [PMID:25741868].